The following is an entry in ClinVar:

ClinVar aggregate classification (germline): Benign/Likely benign. Review status: criteria provided, multiple submitters, no conflicts (2 of 4 stars). 2 submissions from 2 submitters: Benign (1); Likely benign (1). Last evaluated 2025-05-27.

Conditions:
Tuberous sclerosis 2 (TSC2). Identifiers: Orphanet 805, MedGen C1860707, MONDO:0013199, OMIM 613254.

gnomAD v4.1: 9 of 1,612,646 alleles (0.00056%); highest among the groups gnomAD compares: Non-Finnish European, 0.00076%; no homozygotes.

Submissions (2):

Myriad Genetics, Inc.
Classification: Benign for Tuberous sclerosis 2. Last evaluated: 2025-05-27. Review status: criteria provided, single submitter. Criteria: Myriad Autosomal Dominant, Autosomal Recessive and X-Linked Classification Criteria (2023). Collection method: clinical testing. Allele origin: unknown.
Comment: This variant is considered benign. This variant is a silent/synonymous amino acid change and it is not expected to impact splicing.

Labcorp Genetics (formerly Invitae), Labcorp
Classification: Likely benign for Tuberous sclerosis 2. Last evaluated: 2024-07-01. Review status: criteria provided, single submitter. Criteria: Invitae Variant Classification Sherloc (09022015). Collection method: clinical testing. Allele origin: germline.

NM_000548.5(TSC2):c.2961C>T (p.Val987=)

Gene: TSC2 (TSC complex subunit 2; plus strand). Cytogenetic location: 16p13.3.
Variant type: single nucleotide variant.
Coding change: c.2961C>T on transcript NM_000548.5 (MANE Select); coding-DNA position 2961, C replaced by T.
Protein change: p.Val987=; no amino-acid change (valine 987 retained).
Molecular consequence: synonymous variant. On other transcripts: intron variant (9).
Genome position (GRCh38, 1-based): chr16:2,077,721, C>T. VCF-style: chr16-2077721-C-T. GRCh37 (hg19) VCF-style: chr16-2127722-C-T.
Other names: c.2961C>T, p.Val987= (NM_001114382.3); c.2837+1136C>T (NM_021055.3, NM_001370405.1, NM_001363528.2 and 2 more transcripts); c.2726+1136C>T (NM_001318827.2); c.2237+1136C>T (NM_001318831.2); c.2690+1136C>T (NM_001318829.2); c.2870+1136C>T (NM_001318832.2).
Identifiers: ClinVar variation 1133614 (VCV001133614.10), dbSNP rs775637322, ClinGen allele CA492954988.